The following is an entry in ClinVar:

ClinVar aggregate classification (germline): Uncertain significance. Review status: criteria provided, multiple submitters, no conflicts (2 of 4 stars). 2 submissions from 2 submitters: Uncertain significance (2). Last evaluated 2023-08-10.

Allele frequency attached by ClinVar (database versions not stated): gnomAD 0.00001; gnomAD exomes 0.00001; TOPMed 0.00001; ExAC 0.00003.

Submissions (2):

Labcorp Genetics (formerly Invitae), Labcorp
Classification: Uncertain significance. Last evaluated: 2023-08-10. Review status: criteria provided, single submitter. Criteria: Invitae Variant Classification Sherloc (09022015). Collection method: clinical testing. Allele origin: germline.
Comment: This sequence change replaces glycine, which is neutral and non-polar, with arginine, which is basic and polar, at codon 32 of the RUSC2 protein (p.Gly32Arg). This variant is present in population databases (rs762775694, gnomAD 0.04%). This variant has not been reported in the literature in individuals affected with RUSC2-related conditions. ClinVar contains an entry for this variant (Variation ID: 1917004). An algorithm developed to predict the effect of missense changes on protein structure and function (PolyPhen-2) suggests that this variant is likely to be disruptive. In summary, the available evidence is currently insufficient to determine the role of this variant in disease. Therefore, it has been classified as a Variant of Uncertain Significance.

Ambry Genetics
Classification: Uncertain significance. Last evaluated: 2023-08-08. Review status: criteria provided, single submitter. Criteria: Ambry Variant Classification Scheme 2023. Collection method: clinical testing. Allele origin: germline.

NM_014806.5(RUSC2):c.94G>C (p.Gly32Arg)

Gene: RUSC2 (RUN and SH3 domain containing 2; plus strand). Cytogenetic location: 9p13.3.
Variant type: single nucleotide variant.
Coding change: c.94G>C on transcript NM_014806.5 (MANE Select); coding-DNA position 94, G replaced by C.
Protein change: p.Gly32Arg; replaces glycine 32 with arginine.
Molecular consequence: missense variant. On other transcripts: non-coding transcript variant (1), intron variant (1).
Genome position (GRCh38, 1-based): chr9:35,546,615, G>C. VCF-style: chr9-35546615-G-C. GRCh37 (hg19) VCF-style: chr9-35546612-G-C.
Other names: c.94G>C (NM_001135999.1); c.94G>C, p.Gly32Arg (NM_001135999.2); c.-620-8445G>C (NM_001330740.2); short protein forms G32R.
Identifiers: ClinVar variation 1917004 (VCV001917004.7), dbSNP rs762775694, ClinGen allele CA5043396.